The following is an entry in ClinVar:

ClinVar aggregate classification (germline): Uncertain significance (1 of 4 stars; one submission).

gnomAD v4.1: 2 of 1,603,784 alleles (0.00012%); highest among the groups gnomAD compares: Non-Finnish European, 0.00017%; no homozygotes.

Submission:

Labcorp Genetics (formerly Invitae), Labcorp
Classification: Uncertain significance. Last evaluated: 2023-01-26. Review status: criteria provided, single submitter. Criteria: Invitae Variant Classification Sherloc (09022015). Collection method: clinical testing. Allele origin: germline.
Comment: This sequence change replaces phenylalanine, which is neutral and non-polar, with leucine, which is neutral and non-polar, at codon 264 of the TFRC protein (p.Phe264Leu). This variant is not present in population databases (gnomAD no frequency). This variant has not been reported in the literature in individuals affected with TFRC-related conditions. Advanced modeling of protein sequence and biophysical properties (such as structural, functional, and spatial information, amino acid conservation, physicochemical variation, residue mobility, and thermodynamic stability) performed at Invitae indicates that this missense variant is not expected to disrupt TFRC protein function. In summary, the available evidence is currently insufficient to determine the role of this variant in disease. Therefore, it has been classified as a Variant of Uncertain Significance.

NM_001128148.3(TFRC):c.792T>G (p.Phe264Leu)

Gene: TFRC (transferrin receptor; minus strand). Cytogenetic location: 3q29.
Variant type: single nucleotide variant.
Coding change: c.792T>G on transcript NM_001128148.3 (MANE Select); coding-DNA position 792, T replaced by G.
Protein change: p.Phe264Leu; replaces phenylalanine 264 with leucine.
Molecular consequence: missense variant. On other transcripts: 5 prime UTR variant (1).
Genome position (GRCh38, 1-based): chr3:196,069,464, A>C on the plus strand (T>G on the coding strand, the complement: TFRC is on the minus strand). VCF-style: chr3-196069464-A-C. GRCh37 (hg19) VCF-style: chr3-195796335-A-C.
Other names: c.549T>G, p.Phe183Leu (NM_001313965.2); c.-55T>G (NM_001313966.2); c.792T>G, p.Phe264Leu (NM_003234.4); short protein forms F264L, F183L.
Identifiers: ClinVar variation 2832199 (VCV002832199.3), dbSNP rs779192331, ClinGen allele CA355574377.